The following is an entry in ClinVar:

NM_006206.6(PDGFRA):c.1559C>T (p.Thr520Ile)

Gene: PDGFRA (platelet derived growth factor receptor alpha; plus strand). Cytogenetic location: 4q12.
Variant type: single nucleotide variant.
Coding change: c.1559C>T on transcript NM_006206.6 (MANE Select); coding-DNA position 1559, C replaced by T.
Protein change: p.Thr520Ile; replaces threonine 520 with isoleucine.
Molecular consequence: missense variant.
Genome position (GRCh38, 1-based): chr4:54,274,531, C>T. VCF-style: chr4-54274531-C-T. GRCh37 (hg19) VCF-style: chr4-55140698-C-T.
Other names: c.1559C>T, p.Thr520Ile (NM_001347827.2, NM_001347829.2); c.1634C>T, p.Thr545Ile (NM_001347828.2); c.1598C>T, p.Thr533Ile (NM_001347830.2); short protein forms T520I, T545I, T533I.
Identifiers: ClinVar variation 1420561 (VCV001420561.10), dbSNP rs760659222, ClinGen allele CA2922616.

ClinVar aggregate classification (germline): Uncertain significance. Review status: criteria provided, multiple submitters, no conflicts (2 of 4 stars). 2 submissions from 2 submitters: Uncertain significance (2). Last evaluated 2025-06-23.

Conditions:
Hereditary cancer-predisposing syndrome. Also called: Tumor predisposition; Hereditary Cancer Syndrome; Hereditary neoplastic syndrome; Neoplastic Syndromes, Hereditary. Identifiers: Orphanet 140162, MedGen C0027672, MeSH D009386, MONDO:0015356.
Gastrointestinal stromal tumor. Also called: Gastrointestinal stroma tumor; Gastrointestinal stromal tumor, somatic. Identifiers: Orphanet 44890, MedGen C0238198, MeSH D046152, MONDO:0011719, OMIM 606764, HP:0100723.

Allele frequency attached by ClinVar (database versions not stated): ExAC 0.00001; gnomAD exomes 0.00001 and below 0.00001.
gnomAD v4.1: 2 of 1,610,660 alleles (0.00012%); highest among the groups gnomAD compares: Admixed American, 0.0033%; no homozygotes.

Submissions (2):

Labcorp Genetics (formerly Invitae), Labcorp
Classification: Uncertain significance for Gastrointestinal stromal tumor. Last evaluated: 2025-06-23. Review status: criteria provided, single submitter. Criteria: Invitae Variant Classification Sherloc (09022015). Collection method: clinical testing. Allele origin: germline.
Comment: This sequence change replaces threonine, which is neutral and polar, with isoleucine, which is neutral and non-polar, at codon 520 of the PDGFRA protein (p.Thr520Ile). This variant is present in population databases (rs760659222, gnomAD 0.003%). This variant has not been reported in the literature in individuals affected with PDGFRA-related conditions. ClinVar contains an entry for this variant (Variation ID: 1420561). An algorithm developed to predict the effect of missense changes on protein structure and function (PolyPhen-2) suggests that this variant is likely to be tolerated. In summary, the available evidence is currently insufficient to determine the role of this variant in disease. Therefore, it has been classified as a Variant of Uncertain Significance.

Ambry Genetics
Classification: Uncertain significance for Hereditary cancer-predisposing syndrome. Last evaluated: 2022-07-12. Review status: criteria provided, single submitter. Criteria: Ambry Variant Classification Scheme 2023. Collection method: clinical testing. Allele origin: germline.
Comment: The p.T520I variant (also known as c.1559C>T) is located in coding exon 10 of the PDGFRA gene. The threonine at codon 520 is replaced by isoleucine, an amino acid with similar properties. This change occurs in the first base pair of coding exon 10. This amino acid position is conserved. In addition, this alteration is predicted to be tolerated by in silico analysis. Since supporting evidence is limited at this time, the clinical significance of this alteration remains unclear.